The following is an entry in ClinVar:

ClinVar aggregate classification (germline): Uncertain significance. Review status: criteria provided, multiple submitters, no conflicts (2 of 4 stars). 2 submissions from 2 submitters: Uncertain significance (2). Last evaluated 2024-05-06.

Conditions:
Tuberous sclerosis 1 (TSC1). Identifiers: Orphanet 805, MedGen C1854465, MONDO:0008612, OMIM 191100.
Hereditary cancer-predisposing syndrome. Also called: Tumor predisposition; Neoplastic Syndromes, Hereditary; Hereditary Cancer Syndrome; Hereditary neoplastic syndrome. Identifiers: Orphanet 140162, MedGen C0027672, MeSH D009386, MONDO:0015356.

Submissions (2):

Labcorp Genetics (formerly Invitae), Labcorp
Classification: Uncertain significance for Tuberous sclerosis 1. Last evaluated: 2024-05-06. Review status: criteria provided, single submitter. Criteria: Invitae Variant Classification Sherloc (09022015). Collection method: clinical testing. Allele origin: germline.
Comment: This sequence change replaces lysine, which is basic and polar, with asparagine, which is neutral and polar, at codon 375 of the TSC1 protein (p.Lys375Asn). This variant is not present in population databases (gnomAD no frequency). This variant has not been reported in the literature in individuals affected with TSC1-related conditions. ClinVar contains an entry for this variant (Variation ID: 1061703). Advanced modeling of protein sequence and biophysical properties (such as structural, functional, and spatial information, amino acid conservation, physicochemical variation, residue mobility, and thermodynamic stability) performed at Invitae indicates that this missense variant is not expected to disrupt TSC1 protein function with a negative predictive value of 95%. In summary, the available evidence is currently insufficient to determine the role of this variant in disease. Therefore, it has been classified as a Variant of Uncertain Significance.

Ambry Genetics
Classification: Uncertain significance for Hereditary cancer-predisposing syndrome. Last evaluated: 2024-05-04. Review status: criteria provided, single submitter. Criteria: Ambry Variant Classification Scheme 2023. Collection method: clinical testing. Allele origin: germline.
Comment: The p.K375N variant (also known as c.1125A>T), located in coding exon 9 of the TSC1 gene, results from an A to T substitution at nucleotide position 1125. The lysine at codon 375 is replaced by asparagine, an amino acid with similar properties. This amino acid position is conserved. In addition, this alteration is predicted to be tolerated by in silico analysis. Based on the available evidence, the clinical significance of this variant remains unclear.

NM_000368.5(TSC1):c.1125A>T (p.Lys375Asn)

Gene: TSC1 (TSC complex subunit 1; minus strand). Cytogenetic location: 9q34.13.
Variant type: single nucleotide variant.
Coding change: c.1125A>T on transcript NM_000368.5 (MANE Select); coding-DNA position 1125, A replaced by T.
Protein change: p.Lys375Asn; replaces lysine 375 with asparagine.
Molecular consequence: missense variant.
Genome position (GRCh38, 1-based): chr9:132,911,018, T>A on the plus strand (A>T on the coding strand, the complement: TSC1 is on the minus strand). VCF-style: chr9-132911018-T-A. GRCh37 (hg19) VCF-style: chr9-135786405-T-A.
Other names: c.1125A>T, p.Lys375Asn (NM_001162426.2); c.972A>T, p.Lys324Asn (NM_001162427.2); c.762A>T, p.Lys254Asn (NM_001362177.2); c.1125A>T (NM_000368.4); short protein forms K254N, K324N, K375N.
Identifiers: ClinVar variation 1061703 (VCV001061703.10), dbSNP rs2131957415, ClinGen allele CA375367346.